The following is an entry in ClinVar:

NM_020843.4(SCAPER):c.353A>G (p.Tyr118Cys)

Gene: SCAPER (S-phase cyclin A associated protein in the ER; minus strand). Cytogenetic location: 15q24.3.
Variant type: single nucleotide variant.
Coding change: c.353A>G on transcript NM_020843.4 (MANE Select); coding-DNA position 353, A replaced by G.
Protein change: p.Tyr118Cys; replaces tyrosine 118 with cysteine.
Molecular consequence: missense variant. On other transcripts: 5 prime UTR variant (4), non-coding transcript variant (1).
Genome position (GRCh38, 1-based): chr15:76,841,774, T>C on the plus strand (A>G on the coding strand, the complement: SCAPER is on the minus strand). VCF-style: chr15-76841774-T-C. GRCh37 (hg19) VCF-style: chr15-77134115-T-C.
Other names: c.-545A>G (NM_001145923.2); c.353A>G, p.Tyr118Cys (NM_001353009.2); c.-50A>G (NM_001353010.2, NM_001353011.2, NM_001353012.2); c.353A>G (NM_001353009.1); short protein forms Y118C.
Identifiers: ClinVar variation 4926029 (VCV004926029.2).

ClinVar aggregate classification (germline): Uncertain significance. Review status: criteria provided, multiple submitters, no conflicts (2 of 4 stars). 2 submissions from 2 submitters: Uncertain significance (2). Last evaluated 2026-01-28.

Conditions:
SCAPER-related disorder. Also called: SCAPER-related condition.

gnomAD v4.1: 35 of 1,613,946 alleles (0.0022%); highest among the groups gnomAD compares: African/African-American, 0.0053%; no homozygotes.

Submissions (2):

PreventionGenetics, part of Exact Sciences
Classification: Uncertain significance for SCAPER-related condition. Last evaluated: 2026-01-28. Review status: criteria provided, single submitter. Criteria: ACMG Guidelines, 2015. Collection method: clinical testing. Allele origin: germline.
Comment: The SCAPER c.353A>G variant is predicted to result in the amino acid substitution p.Tyr118Cys. To our knowledge, this variant has not been reported in the literature. This variant is reported in 0.0083% of alleles in individuals of African descent in gnomAD. At this time, the clinical significance of this variant is uncertain due to the absence of conclusive functional and genetic evidence.

Blueprint Genetics
Classification: Uncertain significance. Last evaluated: 2024-02-06. Review status: criteria provided, single submitter. Criteria: ACMG Guidelines, 2015. Collection method: clinical testing. Allele origin: germline.